The following is an entry in ClinVar:

NM_021076.4(NEFH):c.406C>T (p.Gln136Ter)

Gene: NEFH (neurofilament heavy chain; plus strand). Cytogenetic location: 22q12.2.
Variant type: single nucleotide variant.
Coding change: c.406C>T on transcript NM_021076.4 (MANE Select); coding-DNA position 406, C replaced by T.
Protein change: p.Gln136Ter; replaces glutamine 136 with a stop codon.
Molecular consequence: nonsense.
Genome position (GRCh38, 1-based): chr22:29,480,668, C>T. VCF-style: chr22-29480668-C-T. GRCh37 (hg19) VCF-style: chr22-29876657-C-T.
Other names: short protein forms Q136*.
Identifiers: ClinVar variation 1334022 (VCV001334022.2), dbSNP rs1359968264, ClinGen allele CA411122790.

ClinVar aggregate classification (germline): Conflicting classifications of pathogenicity. Review status: criteria provided, conflicting classifications (1 of 4 stars). 2 submissions from 2 submitters: Likely pathogenic (1); Uncertain significance (1). Last evaluated 2023-10-11.

Conditions:
Charcot-Marie-Tooth disease axonal type 2CC. Also called: CHARCOT-MARIE-TOOTH NEUROPATHY, TYPE 2CC. Identifiers: MedGen C4310790, MONDO:0014836, OMIM 616924.

Allele frequency attached by ClinVar (database versions not stated): TOPMed below 0.00001; gnomAD exomes 0.00001.
gnomAD v4.1: 7 of 1,547,500 alleles (0.00045%); highest among the groups gnomAD compares: Non-Finnish European, 0.00061%; no homozygotes.

Submissions (2):

GeneDx
Classification: Uncertain significance. Last evaluated: 2023-10-11. Review status: criteria provided, single submitter. Criteria: GeneDx Variant Classification Process June 2021. Collection method: clinical testing. Allele origin: germline. Affected: yes.
Comment: Not observed at significant frequency in large population cohorts (gnomAD); Nonsense variant predicted to result in protein truncation or nonsense mediated decay in a gene or region of a gene for which loss of function is not a well-established mechanism of disease; Has not been previously published as pathogenic or benign to our knowledge

CENTOGENE GmbH and LLC - Guiding Precision Medicine
Classification: Likely pathogenic for Charcot-Marie-Tooth disease axonal type 2CC. Last evaluated: 2019-05-31. Review status: criteria provided, single submitter. Criteria: ACMG Guidelines, 2015. Collection method: clinical testing. Allele origin: germline. Affected: yes.